The following is an entry in ClinVar:

ClinVar aggregate classification (germline): Benign/Likely benign. Review status: criteria provided, multiple submitters, no conflicts (2 of 4 stars). 4 submissions from 4 submitters: Benign (3); Likely benign (1). Last evaluated 2025-10-21.

Conditions:
Fleck corneal dystrophy (CFD). Also called: CORNEAL DYSTROPHY, FRANCOIS-NEETENS SPECKLED OR FLECKED. Identifiers: Orphanet 98970, MedGen C1562113, MONDO:0007376, OMIM 121850.

Allele frequency attached by ClinVar (database versions not stated): 1000 Genomes Project 0.00060; 1000 Genomes Project 30x 0.00062; gnomAD exomes 0.00370 and 0.00499; ExAC 0.00395; TOPMed 0.00422; ESP Exome Variant Server 0.00523.
gnomAD v4.1: 7,856 of 1,612,224 alleles (0.49%); highest among the groups gnomAD compares: Non-Finnish European, 0.59%; 33 homozygotes.

Submissions (4):

Labcorp Genetics (formerly Invitae), Labcorp
Classification: Benign. Last evaluated: 2025-10-21. Review status: criteria provided, single submitter. Criteria: Invitae Variant Classification Sherloc (09022015). Collection method: clinical testing. Allele origin: germline.

CeGaT Center for Human Genetics Tuebingen
Classification: Likely benign. Last evaluated: 2025-04-01. Review status: criteria provided, single submitter. Criteria: CeGaT Center For Human Genetics Tuebingen Variant Classification Criteria Version 2. Collection method: clinical testing. Allele origin: germline. Affected: yes. Observed: 1 variant allele.
Comment: PIKFYVE: BP4, BP7, BS2

Illumina Laboratory Services, Illumina
Classification: Benign for Fleck corneal dystrophy. Last evaluated: 2018-01-13. Review status: criteria provided, single submitter. Criteria: ICSL Variant Classification Criteria 13 December 2019. Collection method: clinical testing. Allele origin: germline.
Comment: This variant was observed in the ICSL laboratory as part of a predisposition screen in an ostensibly healthy population. It had not been previously curated by ICSL or reported in the Human Gene Mutation Database (HGMD: prior to June 1st, 2018), and was therefore a candidate for classification through an automated scoring system. Utilizing variant allele frequency, disease prevalence and penetrance estimates, and inheritance mode, an automated score was calculated to assess if this variant is too frequent to cause the disease. Based on the score and internal cut-off values, a variant classified as benign is not then subjected to further curation. The score for this variant resulted in a classification of benign for this disease.

Breakthrough Genomics
Classification: Benign. Review status: criteria provided, single submitter. Criteria: ACMG Guidelines, 2015. Collection method: not provided. Allele origin: germline. Inheritance: Autosomal dominant inheritance. Affected: yes.

NM_015040.4(PIKFYVE):c.4215A>G (p.Leu1405=)

Gene: PIKFYVE (phosphoinositide kinase, FYVE-type zinc finger containing; plus strand). Cytogenetic location: 2q34.
Variant type: single nucleotide variant.
Coding change: c.4215A>G on transcript NM_015040.4 (MANE Select); coding-DNA position 4215, A replaced by G.
Protein change: p.Leu1405=; no amino-acid change (leucine 1405 retained).
Molecular consequence: synonymous variant.
Genome position (GRCh38, 1-based): chr2:208,335,378, A>G. VCF-style: chr2-208335378-A-G. GRCh37 (hg19) VCF-style: chr2-209200102-A-G.
Identifiers: ClinVar variation 333919 (VCV000333919.21), dbSNP rs35944808, ClinGen allele CA2080250.
Genomic context (GRCh38, chr2:208,335,378, plus strand): 5'-TCGGCTTCTTGAAGTATGTGTTCCACTCCCCAAAATATTCATTAAGCGTCAGGCCCCATT[A>G]AAAGTGTCCCTTCTTCAGGATCTGAAGGACTTCTTTCAAAAGTAAGTTCAGTTTCTTTTA-3'
Protein context (NP_055855.2, residues 1395-1415): PKIFIKRQAP[Leu1405=]KVSLLQDLKD